The following is an entry in ClinVar:

NC_000023.11:g.36720286C>T

Variant type: single nucleotide variant.
Genome position: GRCh38 VCF-style: chrX-36720286-C-T. GRCh37 (hg19) VCF-style: chrX-36738359-C-T.
Identifiers: ClinVar variation 4871936 (VCV004871936.2).
Genomic context (GRCh38, chrX:36,720,286, plus strand): 5'-AGATGACATCCACTCTCAGGAAGAAGAAATGCCCCAACCTGAGGAGGAGGAGGAGGAGGA[C>T]GAGAGAATGGAGGAGGAGGAAGAGGAGAAAAAGGAGGAGGAGGAGAAGGAGGAGGAGGAG-3'

ClinVar aggregate classification (germline): Likely benign (1 of 4 stars; one submission).

Submission:

CeGaT Center for Human Genetics Tuebingen
Classification: Likely benign. Last evaluated: 2026-05-01. Review status: criteria provided, single submitter. Criteria: CeGaT Center For Human Genetics Tuebingen Variant Classification Criteria Version 2. Collection method: clinical testing. Allele origin: germline. Affected: yes. Observed: 1 variant allele.
Comment: H2AL1Q: BP4, BP7